The following is an entry in ClinVar:

NM_152564.5(VPS13B):c.1291A>G (p.Thr431Ala)

Gene: VPS13B (vacuolar protein sorting 13 homolog B; plus strand). Cytogenetic location: 8q22.2.
Variant type: single nucleotide variant.
Coding change: c.1291A>G on transcript NM_152564.5 (MANE Select); coding-DNA position 1291, A replaced by G.
Protein change: p.Thr431Ala; replaces threonine 431 with alanine.
Molecular consequence: missense variant.
Genome position (GRCh38, 1-based): chr8:99,134,716, A>G. VCF-style: chr8-99134716-A-G. GRCh37 (hg19) VCF-style: chr8-100146944-A-G.
Other names: c.1291A>G, p.Thr431Ala (NM_015243.3, NM_017890.5); short protein forms T431A.
Identifiers: ClinVar variation 2049340 (VCV002049340.6), dbSNP rs760810471, ClinGen allele CA4822590.

ClinVar aggregate classification (germline): Uncertain significance. Review status: criteria provided, multiple submitters, no conflicts (2 of 4 stars). 3 submissions from 3 submitters: Uncertain significance (2). 1 of the submissions does not count toward it. Last evaluated 2026-01-05.

Conditions:
VPS13B-related disorder. Also called: VPS13B-related condition.
Cohen syndrome (COH1). Also called: Cutis verticis gyrata, retinitis pigmentosa, and sensorineural deafness; PEPPER SYNDROME. Identifiers: Orphanet 193, MedGen C0265223, MONDO:0008999, OMIM 216550.

Allele frequency attached by ClinVar (database versions not stated): ExAC 0.00001; gnomAD 0.00001; gnomAD exomes 0.00001.
gnomAD v4.1: 16 of 1,607,376 alleles (0.001%); highest among the groups gnomAD compares: Admixed American, 0.0017%; no homozygotes.

Submissions (3):

Labcorp Genetics (formerly Invitae), Labcorp
Classification: Uncertain significance for Cohen syndrome. Last evaluated: 2026-01-05. Review status: criteria provided, single submitter. Criteria: Invitae Variant Classification Sherloc (09022015). Collection method: clinical testing. Allele origin: germline.
Comment: This sequence change replaces threonine with alanine at codon 431 of the VPS13B protein (p.Thr431Ala). The threonine residue is weakly conserved and there is a small physicochemical difference between threonine and alanine. This variant is present in population databases (rs760810471, gnomAD 0.003%). This variant has not been reported in the literature in individuals affected with VPS13B-related conditions. ClinVar contains an entry for this variant (Variation ID: 2049340). Invitae Evidence Modeling of protein sequence and biophysical properties (such as structural, functional, and spatial information, amino acid conservation, physicochemical variation, residue mobility, and thermodynamic stability) indicates that this missense variant is not expected to disrupt VPS13B protein function with a negative predictive value of 80%. In summary, the available evidence is currently insufficient to determine the role of this variant in disease. Therefore, it has been classified as a Variant of Uncertain Significance.

PreventionGenetics, part of Exact Sciences
Classification: Uncertain significance for VPS13B-related condition. Last evaluated: 2025-10-22. Review status: criteria provided, single submitter. Criteria: ACMG Guidelines, 2015. Collection method: clinical testing. Allele origin: germline.
Comment: The VPS13B c.1291A>G variant is predicted to result in the amino acid substitution p.Thr431Ala. To our knowledge, this variant has not been reported in the literature. This variant is reported in 0.0029% of alleles in individuals of Latino descent in gnomAD. At this time, the clinical significance of this variant is uncertain due to the absence of conclusive functional and genetic evidence.

Natera, Inc.
Classification: Uncertain significance for Cohen syndrome. Last evaluated: 2025-02-05. Review status: no assertion criteria provided. Collection method: clinical testing. Allele origin: germline. Not counted in ClinVar's aggregate classification.